The following is an entry in ClinVar:

ClinVar aggregate classification (germline): Conflicting classifications of pathogenicity. Review status: criteria provided, conflicting classifications (1 of 4 stars). 18 submissions from 18 submitters: Uncertain significance (3); Benign (1); Likely benign (10). 4 of the submissions do not count toward it. Last evaluated 2026-09-01.

Conditions:
TTN-related disorder. Also called: TTN-related disorders; TTN-related condition; TTN-related disease.
Cardiovascular phenotype. Identifiers: MedGen CN230736.
Autosomal recessive limb-girdle muscular dystrophy type 2J (LGMDR10). Also called: Limb-girdle muscular dystrophy, type 2J; MUSCULAR DYSTROPHY, LIMB-GIRDLE, AUTOSOMAL RECESSIVE 10. Identifiers: Orphanet 140922, MedGen C1837342, MONDO:0012127, OMIM 608807.
Dilated cardiomyopathy 1G (CMD1G). Identifiers: Orphanet 154, MedGen C1858763, MONDO:0011400, OMIM 604145.
Cardiomyopathy (CMYO). Also called: Cardiomyopathies. Identifiers: Orphanet 167848, MedGen C0878544, MONDO:0004994, HP:0001638. Inheritance: Various modes of inheritance.

Allele frequency attached by ClinVar (database versions not stated): ExAC 0.00031; gnomAD exomes 0.00035 and 0.00052; TOPMed 0.00042; gnomAD 0.00058 and 0.00061; ESP Exome Variant Server 0.00066.
gnomAD v4.1: 837 of 1,613,362 alleles (0.052%); highest among the groups gnomAD compares: Non-Finnish European, 0.063%; 1 homozygote.

Submissions (18):

CeGaT Center for Human Genetics Tuebingen
Classification: Likely benign. Last evaluated: 2026-09-01. Review status: criteria provided, single submitter. Criteria: CeGaT Center For Human Genetics Tuebingen Variant Classification Criteria Version 2. Collection method: clinical testing. Allele origin: germline. Affected: yes. Observed: 7 variant alleles.
Comment: TTN: BP4, BS2

Women's Health and Genetics/Laboratory Corporation of America, LabCorp
Classification: Likely benign. Last evaluated: 2025-09-29. Review status: criteria provided, single submitter. Criteria: LabCorp Variant Classification Summary - May 2015. Collection method: clinical testing. Allele origin: germline.
Comment: Variant summary: TTN c.73768C>G (p.Pro24590Ala) results in a non-conservative amino acid change in the encoded protein sequence. Algorithms developed to predict the effect of missense changes on protein structure and function are either unavailable or do not agree on the potential impact of this missense change. The variant allele was found at a frequency of 0.00035 in 248182 control chromosomes, predominantly at a frequency of 0.0006 within the Non-Finnish European subpopulation in the gnomAD database. The observed variant frequency within Non-Finnish European control individuals in the gnomAD database exceeds the estimated maximal expected allele frequency for disease-causing variants in TTN. c.73768C>G has been observed in individuals affected with hypertrophic cardiomyopathy (Lopes_2013) and in an individual with Brugada syndrome but without echocardiographic evidence for structural heart disease (Mademont-Soler_2017). These reports do not provide unequivocal conclusions about association of the variant with Dilated Cardiomyopathy. To our knowledge, no experimental evidence demonstrating an impact on protein function has been reported. ClinVar contains an entry for this variant (Variation ID: 196066). Based on the evidence outlined above, the variant was classified as likely benign.

PreventionGenetics, part of Exact Sciences
Classification: Likely benign for TTN-related condition. Last evaluated: 2025-07-21. Review status: criteria provided, single submitter. Criteria: ACMG Guidelines, 2015. Collection method: clinical testing. Allele origin: germline.
Comment: This variant is classified as likely benign based on ACMG/AMP sequence variant interpretation guidelines (Richards et al. 2015 PMID: 25741868, with internal and published modifications).

Molecular Diagnostic Laboratory for Inherited Cardiovascular Disease, Montreal Heart Institute
Classification: Likely benign. Last evaluated: 2025-04-09. Review status: criteria provided, single submitter. Criteria: ACMG Guidelines, 2015. Collection method: clinical testing. Allele origin: germline. Affected: no.

Athena Diagnostics
Classification: Likely benign. Last evaluated: 2025-03-26. Review status: criteria provided, single submitter. Criteria: Athena Diagnostics Criteria. Collection method: clinical testing. Allele origin: unknown.
Comment: The frequency of this variant in the general population is higher than would generally be expected for pathogenic variants in this gene.

Blueprint Genetics
Classification: Likely benign. Last evaluated: 2024-01-03. Review status: criteria provided, single submitter. Criteria: ACMG Guidelines, 2015. Collection method: clinical testing. Allele origin: germline.

Revvity Omics, Revvity
Classification: Likely benign. Last evaluated: 2023-05-03. Review status: criteria provided, single submitter. Criteria: ACMG Guidelines, 2015. Collection method: clinical testing. Allele origin: germline.

CHEO Genetics Diagnostic Laboratory, Children's Hospital of Eastern Ontario
Classification: Benign for Cardiomyopathy. Last evaluated: 2023-03-14. Review status: criteria provided, single submitter. Criteria: ACMG Guidelines, 2015. Collection method: clinical testing. Allele origin: germline. Study: Canadian Open Genetics Repository.

Mayo Clinic Laboratories, Mayo Clinic
Classification: Uncertain significance. Last evaluated: 2021-12-02. Review status: criteria provided, single submitter. Criteria: ACMG Guidelines, 2015. Collection method: clinical testing. Allele origin: germline.

Ambry Genetics
Classification: Likely benign for Cardiovascular phenotype. Last evaluated: 2019-10-11. Review status: criteria provided, single submitter. Criteria: Ambry Variant Classification Scheme 2023. Collection method: clinical testing. Allele origin: germline.

GeneDx
Classification: Likely benign. Last evaluated: 2019-10-10. Review status: criteria provided, single submitter. Criteria: GeneDx Variant Classification Process June 2021. Collection method: clinical testing. Allele origin: germline. Affected: yes.

ARUP Laboratories, Molecular Genetics and Genomics, ARUP Laboratories
Classification: Likely benign. Last evaluated: 2018-06-20. Review status: criteria provided, single submitter. Criteria: ARUP Molecular Germline Variant Investigation Process. Collection method: clinical testing. Allele origin: germline.
Comment: The c.73768C>G; p.Pro24590Ala variant does not alter the amino acid sequence of the TTN protein and computational splice site prediction algorithms do not predict a change in the nearest splice site or creation of a cryptic splice site. This variant is listed in the genome Aggregation Database (gnomAD) with an overall population frequency of 0.04 % (identified on 115 out of 276,066 chromosomes), and evidence suggests that the vast majority of rare non-truncating TTN variants do not contribute to the clinical outcome of DCM (Begay 2015). Given the available evidence, the c.73768C>G variant is likely to be benign. Thus, this TTN variant is considered likely benign.

Labcorp Genetics (formerly Invitae), Labcorp
Classification: Uncertain significance for Dilated cardiomyopathy 1G; Autosomal recessive limb-girdle muscular dystrophy type 2J. Last evaluated: 2017-12-19. Review status: criteria provided, single submitter. Criteria: Invitae Variant Classification Sherloc (09022015). Collection method: clinical testing. Allele origin: germline.

Eurofins Ntd Llc (ga)
Classification: Uncertain significance. Last evaluated: 2017-03-08. Review status: criteria provided, single submitter. Criteria: EGL Classification Definitions 2015. Collection method: clinical testing. Allele origin: germline. Observed: 6 variant alleles, 6 heterozygotes.

Clinical Genetics DNA and cytogenetics Diagnostics Lab, Erasmus MC, Erasmus Medical Center
Classification: Likely benign. Review status: no assertion criteria provided. Collection method: clinical testing. Allele origin: germline. Affected: yes. Study: VKGL Data-share Consensus. Not counted in ClinVar's aggregate classification.

Clinical Genetics, Academic Medical Center
Classification: Likely benign. Review status: no assertion criteria provided. Collection method: clinical testing. Allele origin: germline. Affected: yes. Study: VKGL Data-share Consensus. Not counted in ClinVar's aggregate classification.

Genome Diagnostics Laboratory, University Medical Center Utrecht
Classification: Likely benign. Review status: no assertion criteria provided. Collection method: clinical testing. Allele origin: germline. Affected: yes. Study: VKGL Data-share Consensus. Not counted in ClinVar's aggregate classification.

Joint Genome Diagnostic Labs from Nijmegen and Maastricht, Radboudumc and MUMC+
Classification: Likely benign. Review status: no assertion criteria provided. Collection method: clinical testing. Allele origin: germline. Affected: yes. Study: VKGL Data-share Consensus. Not counted in ClinVar's aggregate classification.

Literature cited by the submitters: PubMed 23396983 (cited by Women's Health and Genetics/Laboratory Corporation of America, LabCorp and Ambry Genetics); PubMed 28771489 (cited by Women's Health and Genetics/Laboratory Corporation of America, LabCorp).

NM_001267550.2(TTN):c.81472C>G (p.Pro27158Ala)

Genes: TTN (titin; minus strand), TTN-AS1 (TTN antisense RNA 1; plus strand). Cytogenetic location: 2q31.2.
Variant type: single nucleotide variant.
Coding change: c.81472C>G on transcript NM_001267550.2 (MANE Select); coding-DNA position 81472, C replaced by G.
Protein change: p.Pro27158Ala; replaces proline 27158 with alanine.
Molecular consequence: missense variant.
Genome position (GRCh38, 1-based): chr2:178,564,660, G>C on the plus strand (C>G on the coding strand, the complement: TTN is on the minus strand). VCF-style: chr2-178564660-G-C. GRCh37 (hg19) VCF-style: chr2-179429387-G-C.
Other names: p.P24590A:CCT>GCT; c.76549C>G, p.Pro25517Ala (NM_001256850.1); c.54277C>G, p.Pro18093Ala (NM_003319.4); c.73768C>G, p.Pro24590Ala (NM_133378.4); c.54652C>G, p.Pro18218Ala (NM_133432.3); c.54853C>G, p.Pro18285Ala (NM_133437.4); short protein forms P27158A, P25517A, P24590A, P18093A, P18285A, P18218A.
Identifiers: ClinVar variation 196066 (VCV000196066.74), dbSNP rs200771189, ClinGen allele CA302886.